The following is an entry in ClinVar:

ClinVar aggregate classification (germline): Uncertain significance (1 of 4 stars; one submission).

Conditions:
Luscan-Lumish syndrome. Identifiers: Orphanet 597738, MedGen C4085873, MONDO:0014791, OMIM 616831.

Submission:

Labcorp Genetics (formerly Invitae), Labcorp
Classification: Uncertain significance for Luscan-lumish syndrome. Last evaluated: 2018-08-20. Review status: criteria provided, single submitter. Criteria: Invitae Variant Classification Sherloc (09022015). Collection method: clinical testing. Allele origin: germline.
Comment: This variant, c.6999_7007delGCAACAGAT, results in the deletion of 3 amino acids of the SETD2 protein (p.Gln2334_Ile2336del), but otherwise preserves the integrity of the reading frame. This variant is not present in population databases (ExAC no frequency). This variant has not been reported in the literature in individuals with SETD2-related disease. Experimental studies and prediction algorithms are not available for this variant, and the functional significance of the deleted amino acids is currently unknown. In summary, the available evidence is currently insufficient to determine the role of this variant in disease. Therefore, it has been classified as a Variant of Uncertain Significance.

NM_014159.7(SETD2):c.6999_7007del (p.Gln2334_Ile2336del)

Gene: SETD2 (SET domain containing 2, histone lysine methyltransferase; minus strand). Cytogenetic location: 3p21.31.
Variant type: Deletion.
Coding change: c.6999_7007del on transcript NM_014159.7 (MANE Select); coding-DNA positions 6999 to 7007, 9 bases deleted (GCAACAGAT; older notation c.6999_7007delGCAACAGAT).
Protein change: p.Gln2334_Ile2336del.
Molecular consequence: inframe deletion. On other transcripts: non-coding transcript variant (1).
Genome position (GRCh38, 1-based): chr3:47,046,578-47,046,586, ATCTGTTGC deleted on the plus strand (GCAACAGAT on the coding strand, the reverse complement: SETD2 is on the minus strand). VCF-style (leftmost placement, unchanged base first): chr3-47046577-AATCTGTTGC-A. GRCh37 (hg19) VCF-style: chr3-47088067-AATCTGTTGC-A.
Other names: c.6867_6875del, p.Gln2290_Ile2292del (NM_001349370.3); c.6999_7007delGCAACAGAT (NM_014159.6).
Identifiers: ClinVar variation 644892 (VCV000644892.1), dbSNP rs1575682841, ClinGen allele CA915942451.
Genomic context (GRCh38, chr3:47,046,577, plus strand): 5'-AACTATTGTAGTCACTGCTGCGGCTGGCTGTACCACCACTCCTTGTGGATGAGCTGTGAA[AATCTGTTGC>A]CCCTGGATATACTGAAGACTTGGCTGGGCATAACTCTAAAAGATAAAATGAAGAAATCAA-3'